The following is an entry in ClinVar:

NM_000431.4(MVK):c.976G>T (p.Gly326Ter)

Gene: MVK (mevalonate kinase; plus strand). Cytogenetic location: 12q24.11.
Variant type: single nucleotide variant.
Coding change: c.976G>T on transcript NM_000431.4 (MANE Select); coding-DNA position 976, G replaced by T.
Protein change: p.Gly326Ter; replaces glycine 326 with a stop codon.
Molecular consequence: nonsense. On other transcripts: non-coding transcript variant (4).
Genome position (GRCh38, 1-based): chr12:109,595,118, G>T. VCF-style: chr12-109595118-G-T. GRCh37 (hg19) VCF-style: chr12-110032923-G-T.
Other names: c.976G>T, p.Gly326Ter (NM_001114185.3, NM_001414511.1, NM_001414513.1); c.820G>T, p.Gly274Ter (NM_001301182.2, NM_001414514.1); c.1051G>T, p.Gly351Ter (NM_001414512.1); c.394G>T, p.Gly132Ter (NM_001414515.1); short protein forms G132*, G326*, G274*, G351*.
Identifiers: ClinVar variation 2947497 (VCV002947497.3), dbSNP rs104895308, ClinGen allele CA386650765.

ClinVar aggregate classification (germline): Pathogenic (1 of 4 stars; one submission).

Conditions:
Mevalonic aciduria (MEVA). Identifiers: Orphanet 29, MedGen C1959626, MONDO:0012481, OMIM 610377.
Porokeratosis 3, disseminated superficial actinic type (POROK3). Also called: POROKERATOSIS 3, MULTIPLE TYPES; POROKERATOSIS 3, MIBELLI TYPE; POROKERATOSIS, DISSEMINATED SUPERFICIAL ACTINIC, 1. Identifiers: MedGen C1867981, MONDO:0008293, OMIM 175900.
Hyperimmunoglobulin D with periodic fever (HIDS). Also called: Hyperimmunoglobulinemia D; Hyperimmunoglobulinemia D with periodic fever; HYPERIMMUNOGLOBULINEMIA D AND PERIODIC FEVER SYNDROME. Identifiers: Orphanet 343, MedGen C0398691, MONDO:0009849, OMIM 260920.

Submission:

Labcorp Genetics (formerly Invitae), Labcorp
Classification: Pathogenic for Mevalonic aciduria; Hyperimmunoglobulin D with periodic fever; Porokeratosis 3, disseminated superficial actinic type. Last evaluated: 2023-05-16. Review status: criteria provided, single submitter. Criteria: Invitae Variant Classification Sherloc (09022015). Collection method: clinical testing. Allele origin: germline.
Comment: For these reasons, this variant has been classified as Pathogenic. This variant has not been reported in the literature in individuals affected with MVK-related conditions. This variant is not present in population databases (gnomAD no frequency). This sequence change creates a premature translational stop signal (p.Gly326*) in the MVK gene. It is expected to result in an absent or disrupted protein product. Loss-of-function variants in MVK are known to be pathogenic (PMID: 16835861, 17105862, 23834120).

Literature cited by the submitters: PubMed 16835861; PubMed 17105862; PubMed 23834120.